The following is an entry in ClinVar:

NM_206937.2(LIG4):c.1235A>G (p.Asn412Ser)

Gene: LIG4 (DNA ligase 4; minus strand). Cytogenetic location: 13q33.3.
Variant type: single nucleotide variant.
Coding change: c.1235A>G on transcript NM_206937.2 (MANE Select); coding-DNA position 1235, A replaced by G.
Protein change: p.Asn412Ser; replaces asparagine 412 with serine.
Molecular consequence: missense variant.
Genome position (GRCh38, 1-based): chr13:108,210,034, T>C on the plus strand (A>G on the coding strand, the complement: LIG4 is on the minus strand). VCF-style: chr13-108210034-T-C. GRCh37 (hg19) VCF-style: chr13-108862382-T-C.
Other names: c.1235A>G, p.Asn412Ser (NM_001098268.2, NM_001352598.2, NM_001352599.2 and 6 more transcripts); c.1034A>G, p.Asn345Ser (NM_001330595.2); c.1271A>G, p.Asn424Ser (NM_001352604.2); short protein forms N345S, N412S, N424S.
Identifiers: ClinVar variation 881754 (VCV000881754.7), dbSNP rs781425152, ClinGen allele CA7043728.

ClinVar aggregate classification (germline): Uncertain significance. Review status: criteria provided, multiple submitters, no conflicts (2 of 4 stars). 3 submissions from 2 submitters: Uncertain significance (3). Last evaluated 2024-08-31.

Conditions:
DNA ligase IV deficiency. Identifiers: Orphanet 99812, MedGen C1847827, MONDO:0011686, OMIM 606593.
Severe combined immunodeficiency due to DCLRE1C deficiency (RS-SCID). Also called: SCID, AUTOSOMAL RECESSIVE, T CELL-NEGATIVE, B CELL-NEGATIVE, NK CELL-POSITIVE, WITH SENSITIVITY TO IONIZING RADIATION. Identifiers: Orphanet 275, MedGen C1865371, MONDO:0011225, OMIM 602450.

Allele frequency attached by ClinVar (database versions not stated): ExAC 0.00001; gnomAD exomes below 0.00001.
gnomAD v4.1: 1 of 1,612,386 alleles (0.000062%); highest among the groups gnomAD compares: Non-Finnish European, 0.000085%; no homozygotes.

Submissions (3):

Labcorp Genetics (formerly Invitae), Labcorp
Classification: Uncertain significance for DNA ligase IV deficiency. Last evaluated: 2024-08-31. Review status: criteria provided, single submitter. Criteria: Invitae Variant Classification Sherloc (09022015). Collection method: clinical testing. Allele origin: germline.
Comment: This sequence change replaces asparagine, which is neutral and polar, with serine, which is neutral and polar, at codon 412 of the LIG4 protein (p.Asn412Ser). This variant is present in population databases (rs781425152, gnomAD 0.0009%). This variant has not been reported in the literature in individuals affected with LIG4-related conditions. ClinVar contains an entry for this variant (Variation ID: 881754). Invitae Evidence Modeling of protein sequence and biophysical properties (such as structural, functional, and spatial information, amino acid conservation, physicochemical variation, residue mobility, and thermodynamic stability) indicates that this missense variant is not expected to disrupt LIG4 protein function with a negative predictive value of 95%. In summary, the available evidence is currently insufficient to determine the role of this variant in disease. Therefore, it has been classified as a Variant of Uncertain Significance.

Illumina Laboratory Services, Illumina
Classification: Uncertain significance for Severe combined immunodeficiency due to DCLRE1C deficiency. Last evaluated: 2018-01-13. Review status: criteria provided, single submitter. Criteria: ICSL Variant Classification Criteria 13 December 2019. Collection method: clinical testing. Allele origin: germline.

Illumina Laboratory Services, Illumina
Classification: Uncertain significance for DNA ligase IV deficiency. Last evaluated: 2018-01-13. Review status: criteria provided, single submitter. Criteria: ICSL Variant Classification Criteria 13 December 2019. Collection method: clinical testing. Allele origin: germline.